The following is an entry in ClinVar:

ClinVar aggregate classification (germline): Uncertain significance (1 of 4 stars; one submission).

Allele frequency attached by ClinVar (database versions not stated): gnomAD exomes below 0.00001.
gnomAD v4.1: 1 of 1,614,086 alleles (0.000062%); highest among the groups gnomAD compares: Non-Finnish European, 0.000085%; no homozygotes.

Submission:

Labcorp Genetics (formerly Invitae), Labcorp
Classification: Uncertain significance. Last evaluated: 2021-12-06. Review status: criteria provided, single submitter. Criteria: Invitae Variant Classification Sherloc (09022015). Collection method: clinical testing. Allele origin: germline.
Comment: This variant is not present in population databases (gnomAD no frequency). This variant has not been reported in the literature in individuals affected with P3H2-related conditions. Variants that disrupt the consensus splice site are a relatively common cause of aberrant splicing (PMID: 17576681, 9536098). Algorithms developed to predict the effect of sequence changes on RNA splicing suggest that this variant may disrupt the consensus splice site. In summary, the available evidence is currently insufficient to determine the role of this variant in disease. Therefore, it has been classified as a Variant of Uncertain Significance. This sequence change falls in intron 4 of the P3H2 gene. It does not directly change the encoded amino acid sequence of the P3H2 protein. It affects a nucleotide within the consensus splice site.

Literature cited by the submitters: PubMed 17576681; PubMed 9536098.

NM_018192.4(P3H2):c.955+3A>G

Gene: P3H2 (prolyl 3-hydroxylase 2; minus strand). Cytogenetic location: 3q28.
Variant type: single nucleotide variant.
Coding change: c.955+3A>G on transcript NM_018192.4 (MANE Select); 3 bases into the intron after coding-DNA position 955, A replaced by G.
Molecular consequence: intron variant.
Genome position (GRCh38, 1-based): chr3:189,988,904, T>C on the plus strand (A>G on the coding strand, the complement: P3H2 is on the minus strand). VCF-style: chr3-189988904-T-C. GRCh37 (hg19) VCF-style: chr3-189706693-T-C.
Other names: c.412+3A>G (NM_001134418.2).
Identifiers: ClinVar variation 2035644 (VCV002035644.4), dbSNP rs2473821276, ClinGen allele CA2580070522.